The following is an entry in ClinVar:

ClinVar aggregate classification (germline): Pathogenic/Likely pathogenic. Review status: criteria provided, multiple submitters, no conflicts (2 of 4 stars). 7 submissions from 6 submitters: Pathogenic (1); Likely pathogenic (2). 4 of the submissions do not count toward it. Last evaluated 2025-11-22.

Conditions:
Pulmonary hypertension, primary, 1 (PPH1). Also called: Pulmonary hypertension, familial primary, 1, with or without HHT. Identifiers: Orphanet 422, MedGen C4552070, MONDO:0024533, OMIM 178600.
Coxopodopatellar syndrome. Also called: Small patella syndrome; ISCHIOCOXOPODOPATELLAR SYNDROME WITH OR WITHOUT PULMONARY ARTERIAL HYPERTENSION; ISCHIOCOXOPODOPATELLAR SYNDROME; PATELLA APLASIA, COXA VARA, AND TARSAL SYNOSTOSIS; Congenital coxa vara, patella aplasia and tarsal synostosis; ISCHIOPATELLAR DYSPLASIA. Identifiers: Orphanet 1509, MedGen C1840061, MONDO:0007841, OMIM 147891.
Primary pulmonary hypoplasia. Also called: Familial primary pulmonary hypoplasia. Identifiers: Orphanet 2257, MedGen C0456891, MONDO:0009936, OMIM 265430.
Pulmonary arterial hypertension. Identifiers: Orphanet 182090, MedGen C2973725, MeSH D000081029, MONDO:0015924, HP:0002092.

Submissions (7):

3billion
Classification: Likely pathogenic for Coxopodopatellar syndrome. Last evaluated: 2025-11-22. Review status: criteria provided, single submitter. Criteria: ACMG Guidelines, 2015. Collection method: clinical testing. Allele origin: germline. Affected: yes.
Comment: The variant is not observed in the gnomAD v4.1.0 dataset. Predicted Consequence/Location: Frameshift: predicted to result in a loss or disruption of normal protein function through protein truncation. The predicted truncated protein may be shortened by more than 10%. The variant has been reported at least twice as pathogenic without evidence for the classification (ClinVar ID: VCV000812880 /PMID: 15106123). Therefore, this variant is classified as Likely pathogenic according to the recommendation of ACMG/AMP guideline.

Labcorp Genetics (formerly Invitae), Labcorp
Classification: Pathogenic. Last evaluated: 2025-01-11. Review status: criteria provided, single submitter. Criteria: Invitae Variant Classification Sherloc (09022015). Collection method: clinical testing. Allele origin: germline.
Comment: This sequence change creates a premature translational stop signal (p.Pro372Serfs*14) in the TBX4 gene. While this is not anticipated to result in nonsense mediated decay, it is expected to disrupt the last 174 amino acid(s) of the TBX4 protein. This variant is not present in population databases (gnomAD no frequency). This premature translational stop signal has been observed in individual(s) with TBX4-related conditions (PMID: 15106123, 29650961, 30578397, 32860008). ClinVar contains an entry for this variant (Variation ID: 812880). This variant disrupts a region of the TBX4 protein in which other variant(s) (p.Gln531Arg) have been determined to be pathogenic (PMID: 15106123). This suggests that this is a clinically significant region of the protein, and that variants that disrupt it are likely to be disease-causing. For these reasons, this variant has been classified as Pathogenic.

CENTOGENE GmbH and LLC - Guiding Precision Medicine
Classification: Likely pathogenic for Coxopodopatellar syndrome. Review status: criteria provided, single submitter. Criteria: ACMG Guidelines, 2015. Collection method: clinical testing. Allele origin: germline. Affected: yes.

NIHR Bioresource Rare Diseases, University of Cambridge
Classification: Likely pathogenic for Pulmonary arterial hypertension. Review status: no assertion criteria provided. Collection method: research. Allele origin: unknown. Affected: yes. Observed: 2 variant alleles. Not counted in ClinVar's aggregate classification.

Stankiewicz Research Laboratory, Baylor College of Medicine
Classification: Likely pathogenic for Primary pulmonary hypoplasia; Coxopodopatellar syndrome. Review status: no assertion criteria provided. Collection method: research. Allele origin: paternal, maternal, unknown. Affected: yes. Observed: 1 heterozygote. Not counted in ClinVar's aggregate classification.
Comment: Variants involving TBX4 are associated with a wide variety of disorders, including pulmonary arterial hypertension, ischiocoxopodopatellar syndrome (ICPPS), lethal lung developmental disorders (LLDDs) in neonates, heart defects, and prenatally lethal posterior amelia with pelvic and pulmonary hypoplasia syndrome.

Wendy Chung Laboratory, Boston Children's Hospital
No classification provided. Condition: Coxopodopatellar syndrome; Pulmonary hypertension, primary, 1. Review status: no classification provided. Collection method: literature only. Allele origin: unknown, germline. Affected: yes. Observed: 3 variant alleles. Clinical features observed: small patella, pulmonary arterial hypertension. Not counted in ClinVar's aggregate classification.

Wendy Chung Laboratory, Boston Children's Hospital
No classification provided. Condition: Pulmonary hypertension, primary, 1. Review status: no classification provided. Collection method: literature only. Allele origin: unknown. Affected: yes. Not counted in ClinVar's aggregate classification.

Literature cited by the submitters: PubMed 15106123 (cited by 3 submitters); PubMed 29650961 (cited by Labcorp Genetics (formerly Invitae), Labcorp); PubMed 30578397 (cited by Labcorp Genetics (formerly Invitae), Labcorp and Wendy Chung Laboratory, Boston Children's Hospital); PubMed 32860008 (cited by Labcorp Genetics (formerly Invitae), Labcorp and CENTOGENE GmbH and LLC - Guiding Precision Medicine); PubMed 32581362 (cited by NIHR Bioresource Rare Diseases, University of Cambridge); PubMed 29120062 (cited by Wendy Chung Laboratory, Boston Children's Hospital).

NM_001321120.2(TBX4):c.1115dup (p.Pro373fs)

Gene: TBX4 (T-box transcription factor 4; plus strand). Cytogenetic location: 17q23.2.
Variant type: Duplication.
Coding change: c.1115dup on transcript NM_001321120.2 (MANE Select); coding-DNA position 1115, one base duplicated (C; older notation c.1115dupC).
Protein change: p.Pro373fs; shifts the reading frame from proline 373.
Molecular consequence: frameshift variant.
Genome position (GRCh38, 1-based): chr17:61,482,990, C duplicated; the last of 7 consecutive C bases (chr17:61,482,984-61,482,990); duplicating any one gives the same sequence. VCF-style (leftmost placement, unchanged base first): chr17-61482983-T-TC. GRCh37 (hg19) VCF-style: chr17-59560344-T-TC.
Other names: NP_001308049.1:p.(P373Sfs*14); c.1112dup, p.Pro372fs (NM_018488.3); c.1106dup (NM_018488.3); short protein forms P373fs, P372fs.
Identifiers: ClinVar variation 812880 (VCV000812880.39), dbSNP rs754897911, ClinGen allele CA8690026.